The following is an entry in ClinVar:

NM_004415.4(DSP):c.5441G>A (p.Ser1814Asn)

Gene: DSP (desmoplakin; plus strand). Cytogenetic location: 6p24.3.
Variant type: single nucleotide variant.
Coding change: c.5441G>A on transcript NM_004415.4 (MANE Select); coding-DNA position 5441, G replaced by A.
Protein change: p.Ser1814Asn; replaces serine 1814 with asparagine.
Molecular consequence: missense variant.
Genome position (GRCh38, 1-based): chr6:7,582,703, G>A. VCF-style: chr6-7582703-G-A. GRCh37 (hg19) VCF-style: chr6-7582936-G-A.
Other names: c.3644G>A, p.Ser1215Asn (NM_001008844.3); c.4112G>A, p.Ser1371Asn (NM_001319034.2); c.5441G>A (LRG_423t1); short protein forms S1814N, S1215N, S1371N.
Identifiers: ClinVar variation 180333 (VCV000180333.15), dbSNP rs730880085, ClinGen allele CA006466.

ClinVar aggregate classification (germline): Uncertain significance. Review status: criteria provided, multiple submitters, no conflicts (2 of 4 stars). 3 submissions from 3 submitters: Uncertain significance (3). Last evaluated 2025-09-07.

Conditions:
Cardiovascular phenotype. Identifiers: MedGen CN230736.
Arrhythmogenic cardiomyopathy with wooly hair and keratoderma. Also called: Dilated cardiomyopathy with woolly hair and keratoderma; PALMOPLANTAR KERATODERMA WITH LEFT VENTRICULAR CARDIOMYOPATHY AND WOOLLY HAIR; Carvajal syndrome; Arrhythmogenic cardiomyopathy with woolly hair and keratoderma. Identifiers: Orphanet 65282, MedGen C1854063, MONDO:0011581, OMIM 605676.
Arrhythmogenic right ventricular dysplasia 8 (ARVD8). Also called: Arrhythmogenic Right Ventricular Dysplasia/Cardiomyopathy 8; ARRHYTHMOGENIC RIGHT VENTRICULAR DYSPLASIA, FAMILIAL, 8; ARRHYTHMOGENIC RIGHT VENTRICULAR CARDIOMYOPATHY 8. Identifiers: MedGen C1843896, MONDO:0011831, OMIM 607450.
Cardiomyopathy (CMYO). Also called: Cardiomyopathies. Identifiers: Orphanet 167848, MedGen C0878544, MONDO:0004994, HP:0001638. Inheritance: Various modes of inheritance.

Allele frequency attached by ClinVar (database versions not stated): gnomAD exomes below 0.00001 and 0.00001.

Submissions (3):

Labcorp Genetics (formerly Invitae), Labcorp
Classification: Uncertain significance for Arrhythmogenic cardiomyopathy with wooly hair and keratoderma; Arrhythmogenic right ventricular dysplasia 8. Last evaluated: 2025-09-07. Review status: criteria provided, single submitter. Criteria: Invitae Variant Classification Sherloc (09022015). Collection method: clinical testing. Allele origin: germline.
Comment: This sequence change replaces serine, which is neutral and polar, with asparagine, which is neutral and polar, at codon 1814 of the DSP protein (p.Ser1814Asn). This variant is present in population databases (rs730880085, gnomAD 0.0009%). This variant has not been reported in the literature in individuals affected with DSP-related conditions. ClinVar contains an entry for this variant (Variation ID: 180333). An algorithm developed to predict the effect of missense changes on protein structure and function (PolyPhen-2) suggests that this variant is likely to be tolerated. In summary, the available evidence is currently insufficient to determine the role of this variant in disease. Therefore, it has been classified as a Variant of Uncertain Significance.

Ambry Genetics
Classification: Uncertain significance for Cardiovascular phenotype. Last evaluated: 2024-10-08. Review status: criteria provided, single submitter. Criteria: Ambry Variant Classification Scheme 2023. Collection method: clinical testing. Allele origin: germline.
Comment: The p.S1814N variant (also known as c.5441G>A), located in coding exon 24 of the DSP gene, results from a G to A substitution at nucleotide position 5441. The serine at codon 1814 is replaced by asparagine, an amino acid with highly similar properties. This amino acid position is conserved. In addition, this alteration is predicted to be tolerated by in silico analysis. Based on the available evidence, the clinical significance of this variant remains unclear.

Color Diagnostics, LLC DBA Color Health
Classification: Uncertain significance for Cardiomyopathy. Last evaluated: 2024-03-06. Review status: criteria provided, single submitter. Criteria: ACMG Guidelines, 2015. Collection method: clinical testing. Allele origin: germline.
Comment: This missense variant replaces serine with asparagine at codon 1814 of the DSP protein. Computational prediction suggests that this variant may not impact protein structure and function (internally defined REVEL score threshold <= 0.5, PMID: 27666373). Splice site prediction tools suggest that this variant may not impact RNA splicing. To our knowledge, functional studies have not been reported for this variant. This variant has not been reported in individuals affected with cardiovascular disorders in the literature. This variant has been identified in 1/250924 chromosomes in the general population by the Genome Aggregation Database (gnomAD). The available evidence is insufficient to determine the role of this variant in disease conclusively. Therefore, this variant is classified as a Variant of Uncertain Significance.